The following is an entry in ClinVar:

ClinVar aggregate classification (germline): Likely benign. Review status: criteria provided, multiple submitters, no conflicts (2 of 4 stars). 6 submissions from 6 submitters: Likely benign (5). 1 of the submissions does not count toward it. Last evaluated 2026-01-17.

Conditions:
Blepharophimosis - intellectual disability syndrome, SBBYS type (SBBYSS). Also called: Say-Barber-Biesecker Variant of Ohdo Syndrome; Young Simpson syndrome; Mental retardation unusual facies hypothyroidism; Say-Barber-Biesecker variant of Ohdo syndrome (SBBYSS); Ohdo syndrome, SBBYS variant; Say-Barber-Biesecker-Young-Simpson variant of Ohdo Syndrome. Identifiers: Orphanet 3047, MedGen C1863557, MONDO:0011365, OMIM 603736.
Genitopatellar syndrome (GTPTS). Also called: Genitopatellar syndrome (GPS); ABSENT PATELLAE, SCROTAL HYPOPLASIA, RENAL ANOMALIES, FACIAL DYSMORPHISM, AND MENTAL RETARDATION. Identifiers: Orphanet 85201, MedGen C1853566, MONDO:0011640, OMIM 606170.
KAT6B-related disorder. Also called: KAT6B-related disorders; KAT6B-related condition.

Allele frequency attached by ClinVar (database versions not stated): gnomAD exomes 0.00010 and 0.00005; gnomAD 0.00011 and 0.00021; ExAC 0.00012; ESP Exome Variant Server 0.00015; 1000 Genomes Project 30x 0.00062; 1000 Genomes Project 0.00080; TOPMed 0.00008.
gnomAD v4.1: 119 of 1,611,086 alleles (0.0074%); highest among the groups gnomAD compares: Middle Eastern, 0.066%; 1 homozygote.

Submissions (6):

Labcorp Genetics (formerly Invitae), Labcorp
Classification: Likely benign for Genitopatellar syndrome. Last evaluated: 2026-01-17. Review status: criteria provided, single submitter. Criteria: Invitae Variant Classification Sherloc (09022015). Collection method: clinical testing. Allele origin: germline.

CeGaT Center for Human Genetics Tuebingen
Classification: Likely benign. Last evaluated: 2025-10-01. Review status: criteria provided, single submitter. Criteria: CeGaT Center For Human Genetics Tuebingen Variant Classification Criteria Version 2. Collection method: clinical testing. Allele origin: germline. Affected: yes. Observed: 1 variant allele.
Comment: KAT6B: BP4, BP7

Fulgent Genetics
Classification: Likely benign for Blepharophimosis - intellectual disability syndrome, SBBYS type; Genitopatellar syndrome. Last evaluated: 2021-11-03. Review status: criteria provided, single submitter. Criteria: ACMG Guidelines, 2015. Collection method: clinical testing. Allele origin: unknown.

GeneDx
Classification: Likely benign. Last evaluated: 2021-01-12. Review status: criteria provided, single submitter. Criteria: GeneDx Variant Classification Process June 2021. Collection method: clinical testing. Allele origin: germline. Affected: yes.

Breakthrough Genomics
Classification: Likely benign. Review status: criteria provided, single submitter. Criteria: ACMG Guidelines, 2015. Collection method: not provided. Allele origin: germline. Inheritance: Autosomal dominant inheritance. Affected: yes.

PreventionGenetics, part of Exact Sciences
Classification: Likely benign for KAT6B-related condition. Last evaluated: 2019-06-26. Review status: no assertion criteria provided. Collection method: clinical testing. Allele origin: germline. Not counted in ClinVar's aggregate classification.
Comment: This variant is classified as likely benign based on ACMG/AMP sequence variant interpretation guidelines (Richards et al. 2015 PMID: 25741868, with internal and published modifications).

NM_012330.4(KAT6B):c.5679G>A (p.Pro1893=)

Gene: KAT6B (lysine acetyltransferase 6B; plus strand). Cytogenetic location: 10q22.2.
Variant type: single nucleotide variant.
Coding change: c.5679G>A on transcript NM_012330.4 (MANE Select); coding-DNA position 5679, G replaced by A.
Protein change: p.Pro1893=; no amino-acid change (proline 1893 retained).
Molecular consequence: synonymous variant.
Genome position (GRCh38, 1-based): chr10:75,030,503, G>A. VCF-style: chr10-75030503-G-A. GRCh37 (hg19) VCF-style: chr10-76790261-G-A.
Other names: c.5130G>A, p.Pro1710= (NM_001256468.2, NM_001370138.1); c.4803G>A, p.Pro1601= (NM_001256469.2, NM_001370139.1, NM_001370140.1 and 2 more transcripts); c.4641G>A, p.Pro1547= (NM_001370132.1); c.3990G>A, p.Pro1330= (NM_001370133.1); c.3594G>A, p.Pro1198= (NM_001370134.1); c.3336G>A, p.Pro1112= (NM_001370135.1); c.5679G>A, p.Pro1893= (NM_001370136.1, NM_001370137.1); c.4614G>A, p.Pro1538= (NM_001370143.1, NM_001370144.1).
Identifiers: ClinVar variation 561895 (VCV000561895.21), dbSNP rs370977553, ClinGen allele CA5565237.
Genomic context (GRCh38, chr10:75,030,503, plus strand): 5'-AGCACAAGCTACCATGACCCCACCCCCCAACCTGACTCCTCCTCCAATGAATCTGCCGCC[G>A]CCTCTTTTGCAACGGAACATGGCTGCATCAAATATTGGCATCTCTCACAGCCAAAGACTG-3'
Protein context (NP_036462.2, residues 1883-1903): NLTPPPMNLP[Pro1893=]PLLQRNMAAS